The following is an entry in ClinVar:

NM_201384.3(PLEC):c.6494C>G (p.Ala2165Gly)

Gene: PLEC (plectin; minus strand). Cytogenetic location: 8q24.3.
Variant type: single nucleotide variant.
Coding change: c.6494C>G on transcript NM_201384.3 (MANE Select); coding-DNA position 6494, C replaced by G.
Protein change: p.Ala2165Gly; replaces alanine 2165 with glycine.
Molecular consequence: missense variant.
Genome position (GRCh38, 1-based): chr8:143,923,435, G>C on the plus strand (C>G on the coding strand, the complement: PLEC is on the minus strand). VCF-style: chr8-143923435-G-C. GRCh37 (hg19) VCF-style: chr8-144997603-G-C.
Other names: c.6575C>G, p.Ala2192Gly (NM_000445.5); c.6452C>G, p.Ala2151Gly (NM_201378.4); c.6428C>G, p.Ala2143Gly (NM_201379.3); c.6905C>G, p.Ala2302Gly (NM_201380.4); c.6398C>G, p.Ala2133Gly (NM_201381.3); c.6494C>G, p.Ala2165Gly (NM_201382.4); c.6506C>G, p.Ala2169Gly (NM_201383.3); c.6575C>G (NM_000445.4); short protein forms A2133G, A2143G, A2165G, A2169G, A2302G, A2192G, A2151G.
Identifiers: ClinVar variation 1364684 (VCV001364684.9), dbSNP rs377663841, ClinGen allele CA372533848.

ClinVar aggregate classification (germline): Uncertain significance. Review status: criteria provided, multiple submitters, no conflicts (2 of 4 stars). 2 submissions from 2 submitters: Uncertain significance (2). Last evaluated 2026-04-09.

Conditions:
PLEC-related disorder. Also called: PLEC-related condition; PLEC-related disorders.
Autosomal recessive limb-girdle muscular dystrophy type 2Q (LGMDR17). Also called: MUSCULAR DYSTROPHY, LIMB-GIRDLE, AUTOSOMAL RECESSIVE 17. Identifiers: Orphanet 254361, MedGen C3150989, MONDO:0013390, OMIM 613723.
Epidermolysis bullosa simplex with nail dystrophy (EBS5D). Identifiers: MedGen C4225309, MONDO:0014661, OMIM 616487.
Epidermolysis bullosa simplex 5B, with muscular dystrophy (EBS5B). Also called: EPIDERMOLYSIS BULLOSA SIMPLEX AND LIMB-GIRDLE MUSCULAR DYSTROPHY; Epidermolysis bullosa simplex with muscular dystrophy. Identifiers: Orphanet 257, MedGen C2931072, MONDO:0009181, OMIM 226670.
Epidermolysis bullosa simplex, Ogna type (EBS5A). Also called: Pidermolysis bullosa simplex 5A, Ogna type; EPIDERMOLYSIS BULLOSA SIMPLEX 5A, OGNA TYPE. Identifiers: Orphanet 79401, MedGen C0432317, MONDO:0007555, OMIM 131950.
Epidermolysis bullosa simplex 5C, with pyloric atresia (EBS5C). Also called: PLEC1-Related Epidermolysis Bullosa with Pyloric Atresia; PLEC-Related Epidermolysis Bullosa with Pyloric Atresia; Epidermolysis bullosa simplex with pyloric atresia. Identifiers: Orphanet 158684, MedGen C2677349, MONDO:0012807, OMIM 612138.

Submissions (2):

PreventionGenetics, part of Exact Sciences
Classification: Uncertain significance for PLEC-related condition. Last evaluated: 2026-04-09. Review status: criteria provided, single submitter. Criteria: ACMG Guidelines, 2015. Collection method: clinical testing. Allele origin: germline.
Comment: The PLEC c.6575C>G variant is predicted to result in the amino acid substitution p.Ala2192Gly. To our knowledge, this variant has not been reported in the literature or in a large population database (gnomAD), indicating this variant is rare. At this time, the clinical significance of this variant is uncertain due to the absence of conclusive functional and genetic evidence.

Labcorp Genetics (formerly Invitae), Labcorp
Classification: Uncertain significance for Autosomal recessive limb-girdle muscular dystrophy type 2Q; Epidermolysis bullosa simplex, Ogna type; Epidermolysis bullosa simplex with nail dystrophy; Epidermolysis bullosa simplex 5C, with pyloric atresia; Epidermolysis bullosa simplex 5B, with muscular dystrophy. Last evaluated: 2022-08-23. Review status: criteria provided, single submitter. Criteria: Invitae Variant Classification Sherloc (09022015). Collection method: clinical testing. Allele origin: germline.
Comment: ClinVar contains an entry for this variant (Variation ID: 1364684). Algorithms developed to predict the effect of missense changes on protein structure and function are either unavailable or do not agree on the potential impact of this missense change (SIFT: "Tolerated"; PolyPhen-2: "Probably Damaging"; Align-GVGD: "Class C0"). In summary, the available evidence is currently insufficient to determine the role of this variant in disease. Therefore, it has been classified as a Variant of Uncertain Significance. This variant has not been reported in the literature in individuals affected with PLEC-related conditions. This sequence change replaces alanine, which is neutral and non-polar, with glycine, which is neutral and non-polar, at codon 2192 of the PLEC protein (p.Ala2192Gly). This variant is not present in population databases (gnomAD no frequency).